The following is an entry in ClinVar:

NM_025137.4(SPG11):c.347A>G (p.Tyr116Cys)

Gene: SPG11 (SPG11 vesicle trafficking associated, spatacsin; minus strand). Cytogenetic location: 15q21.1.
Variant type: single nucleotide variant.
Coding change: c.347A>G on transcript NM_025137.4 (MANE Select); coding-DNA position 347, A replaced by G.
Protein change: p.Tyr116Cys; replaces tyrosine 116 with cysteine.
Molecular consequence: missense variant.
Genome position (GRCh38, 1-based): chr15:44,660,527, T>C on the plus strand (A>G on the coding strand, the complement: SPG11 is on the minus strand). VCF-style: chr15-44660527-T-C. GRCh37 (hg19) VCF-style: chr15-44952725-T-C.
Other names: c.347A>G, p.Tyr116Cys (NM_001160227.2); short protein forms Y116C.
Identifiers: ClinVar variation 1408894 (VCV001408894.5), dbSNP rs1186964654, ClinGen allele CA392238278.

ClinVar aggregate classification (germline): Uncertain significance (1 of 4 stars; one submission).

Conditions:
Hereditary spastic paraplegia 11. Also called: Nakamura Osame syndrome; Autosomal recessive hereditary spastic paraplegia, mental impairment, and thin corpus callosum; Spastic Paraplegia 11; SPASTIC PARAPLEGIA, AUTOSOMAL RECESSIVE, COMPLICATED, WITH THIN CORPUS CALLOSUM; SPASTIC PARAPLEGIA, AUTOSOMAL RECESSIVE, WITH MENTAL IMPAIRMENT AND THIN CORPUS CALLOSUM; Spastic paraplegia, mental retardation and thin corpus callosum. Identifiers: Orphanet 2822, MedGen C1858479, MONDO:0011445, OMIM 604360.

Allele frequency attached by ClinVar (database versions not stated): TOPMed 0.00001; gnomAD exomes below 0.00001.
gnomAD v4.1: 3 of 1,614,174 alleles (0.00019%); highest among the groups gnomAD compares: East Asian, 0.0022%; no homozygotes.

Submission:

Labcorp Genetics (formerly Invitae), Labcorp
Classification: Uncertain significance for Hereditary spastic paraplegia 11. Last evaluated: 2022-10-06. Review status: criteria provided, single submitter. Criteria: Invitae Variant Classification Sherloc (09022015). Collection method: clinical testing. Allele origin: germline.
Comment: This sequence change replaces tyrosine, which is neutral and polar, with cysteine, which is neutral and slightly polar, at codon 116 of the SPG11 protein (p.Tyr116Cys). This variant is not present in population databases (gnomAD no frequency). This variant has not been reported in the literature in individuals affected with SPG11-related conditions. ClinVar contains an entry for this variant (Variation ID: 1408894). Algorithms developed to predict the effect of missense changes on protein structure and function output the following: SIFT: "Tolerated"; PolyPhen-2: "Probably Damaging"; Align-GVGD: "Class C0". The cysteine amino acid residue is found in multiple mammalian species, which suggests that this missense change does not adversely affect protein function. In summary, the available evidence is currently insufficient to determine the role of this variant in disease. Therefore, it has been classified as a Variant of Uncertain Significance.